The following is an entry in ClinVar:

NM_001846.4(COL4A2):c.2368C>G (p.Pro790Ala)

Gene: COL4A2 (collagen type IV alpha 2 chain; plus strand). Cytogenetic location: 13q34.
Variant type: single nucleotide variant.
Coding change: c.2368C>G on transcript NM_001846.4 (MANE Select); coding-DNA position 2368, C replaced by G.
Protein change: p.Pro790Ala; replaces proline 790 with alanine.
Molecular consequence: missense variant.
Genome position (GRCh38, 1-based): chr13:110,473,093, C>G. VCF-style: chr13-110473093-C-G. GRCh37 (hg19) VCF-style: chr13-111125440-C-G.
Other names: short protein forms P790A.
Identifiers: ClinVar variation 3631590 (VCV003631590.3).
Genomic context (GRCh38, chr13:110,473,093, plus strand): 5'-AGGGGCCTCCCTGGAGAAGTCCTGGGAGCTCAGCCCGGGCCACGGGGAGATGCTGGTGTG[C>G]CTGGACAGCCTGGGCTTAAAGGCCTTCCCGGAGACAGAGGCCCCCCTGGATTCAGAGGTG-3'
Protein context (NP_001837.2, residues 780-800): QPGPRGDAGV[Pro790Ala]GQPGLKGLPG

ClinVar aggregate classification (germline): Uncertain significance. Review status: criteria provided, multiple submitters, no conflicts (2 of 4 stars). 2 submissions from 2 submitters: Uncertain significance (2). Last evaluated 2024-12-10.

Submissions (2):

Labcorp Genetics (formerly Invitae), Labcorp
Classification: Uncertain significance. Last evaluated: 2024-12-10. Review status: criteria provided, single submitter. Criteria: Invitae Variant Classification Sherloc (09022015). Collection method: clinical testing. Allele origin: germline.
Comment: This sequence change replaces proline, which is neutral and non-polar, with alanine, which is neutral and non-polar, at codon 790 of the COL4A2 protein (p.Pro790Ala). This variant is not present in population databases (gnomAD no frequency). This variant has not been reported in the literature in individuals affected with COL4A2-related conditions. Invitae Evidence Modeling of protein sequence and biophysical properties (such as structural, functional, and spatial information, amino acid conservation, physicochemical variation, residue mobility, and thermodynamic stability) indicates that this missense variant is not expected to disrupt COL4A2 protein function with a negative predictive value of 95%. In summary, the available evidence is currently insufficient to determine the role of this variant in disease. Therefore, it has been classified as a Variant of Uncertain Significance.

Blueprint Genetics
Classification: Uncertain significance. Last evaluated: 2018-12-18. Review status: criteria provided, single submitter. Criteria: ACMG Guidelines, 2015. Collection method: clinical testing. Allele origin: germline.